The following is an entry in ClinVar:

NM_001365951.3(KIF1B):c.3714G>A (p.Met1238Ile)

Gene: KIF1B (kinesin family member 1B; plus strand). Cytogenetic location: 1p36.22.
Variant type: single nucleotide variant.
Coding change: c.3714G>A on transcript NM_001365951.3 (MANE Select); coding-DNA position 3714, G replaced by A.
Protein change: p.Met1238Ile; replaces methionine 1238 with isoleucine.
Molecular consequence: missense variant.
Genome position (GRCh38, 1-based): chr1:10,345,870, G>A. VCF-style: chr1-10345870-G-A. GRCh37 (hg19) VCF-style: chr1-10405928-G-A.
Other names: c.3714G>A, p.Met1238Ile (NM_001365952.1); c.3576G>A, p.Met1192Ile (NM_015074.3); short protein forms M1192I, M1238I.
Identifiers: ClinVar variation 3864031 (VCV003864031.1).

ClinVar aggregate classification (germline): Uncertain significance (1 of 4 stars; one submission).

Submission:

Ambry Genetics
Classification: Uncertain significance. Last evaluated: 2024-12-19. Review status: criteria provided, single submitter. Criteria: Ambry Variant Classification Scheme 2023. Collection method: clinical testing. Allele origin: germline.
Comment: The p.M1192I variant (also known as c.3576G>A), located in coding exon 32 of the KIF1B gene, results from a G to A substitution at nucleotide position 3576. The methionine at codon 1192 is replaced by isoleucine, an amino acid with highly similar properties. This amino acid position is conserved. In addition, this alteration is predicted to be tolerated by in silico analysis. Based on the available evidence, the clinical significance of this variant remains unclear.